The following is an entry in ClinVar:

ClinVar aggregate classification (germline): Uncertain significance (1 of 4 stars; one submission).

Conditions:
RYR1-related disorder. Also called: RYR1-related condition; RYR1-related disorders. Identifiers: MedGen CN239331.

Allele frequency attached by ClinVar (database versions not stated): gnomAD 0.00001; gnomAD exomes below 0.00001.
gnomAD v4.1: 2 of 1,613,240 alleles (0.00012%); highest among the groups gnomAD compares: Non-Finnish European, 0.000085%; no homozygotes.

Submission:

Labcorp Genetics (formerly Invitae), Labcorp
Classification: Uncertain significance for RYR1-related disorder. Last evaluated: 2024-10-29. Review status: criteria provided, single submitter. Criteria: Invitae Variant Classification Sherloc (09022015). Collection method: clinical testing. Allele origin: germline.
Comment: This sequence change replaces alanine, which is neutral and non-polar, with threonine, which is neutral and polar, at codon 1785 of the RYR1 protein (p.Ala1785Thr). This variant is not present in population databases (gnomAD no frequency). This variant has not been reported in the literature in individuals affected with RYR1-related conditions. ClinVar contains an entry for this variant (Variation ID: 1434920). Invitae Evidence Modeling of protein sequence and biophysical properties (such as structural, functional, and spatial information, amino acid conservation, physicochemical variation, residue mobility, and thermodynamic stability) indicates that this missense variant is not expected to disrupt RYR1 protein function with a negative predictive value of 95%. In summary, the available evidence is currently insufficient to determine the role of this variant in disease. Therefore, it has been classified as a Variant of Uncertain Significance.

NM_000540.3(RYR1):c.5353G>A (p.Ala1785Thr)

Gene: RYR1 (ryanodine receptor 1; plus strand). Cytogenetic location: 19q13.2.
Variant type: single nucleotide variant.
Coding change: c.5353G>A on transcript NM_000540.3 (MANE Select); coding-DNA position 5353, G replaced by A.
Protein change: p.Ala1785Thr; replaces alanine 1785 with threonine.
Molecular consequence: missense variant.
Genome position (GRCh38, 1-based): chr19:38,486,008, G>A. VCF-style: chr19-38486008-G-A. GRCh37 (hg19) VCF-style: chr19-38976648-G-A.
Other names: c.5353G>A, p.Ala1785Thr (NM_001042723.2); short protein forms A1785T.
Identifiers: ClinVar variation 1434920 (VCV001434920.5), dbSNP rs994430568, ClinGen allele CA405654799.